The following is an entry in ClinVar:

NM_001164508.2(NEB):c.2627del (p.Asn876fs)

Gene: NEB (nebulin; minus strand). Cytogenetic location: 2q23.3.
Variant type: Deletion.
Coding change: c.2627del on transcript NM_001164508.2 (MANE Select); coding-DNA position 2627, one base deleted (A; older notation c.2627delA).
Protein change: p.Asn876fs; shifts the reading frame from asparagine 876.
Molecular consequence: frameshift variant.
Genome position (GRCh38, 1-based): chr2:151,687,429, T deleted on the plus strand (A on the coding strand, the reverse complement: NEB is on the minus strand); the first of 5 consecutive T bases (chr2:151,687,429-151,687,433); deleting any one gives the same sequence. VCF-style (leftmost placement, unchanged base first): chr2-151687428-GT-G. GRCh37 (hg19) VCF-style: chr2-152543942-GT-G.
Other names: c.2627del, p.Asn876fs (NM_001164507.2, NM_001271208.2, NM_004543.5); short protein forms N876fs.
Identifiers: ClinVar variation 1723929 (VCV001723929.2), dbSNP rs754642464, ClinGen allele CA2577122779.

ClinVar aggregate classification (germline): Likely pathogenic (1 of 4 stars; one submission).

Conditions:
Nemaline myopathy 2 (NEM2). Also called: Nemaline myopathy 2, autosomal recessive. Identifiers: MedGen C1850569, MONDO:0009725, OMIM 256030.

Submission:

Myriad Genetics, Inc.
Classification: Likely pathogenic for Nemaline myopathy 2. Last evaluated: 2022-01-11. Review status: criteria provided, single submitter. Criteria: Myriad Women's Health Autosomal Recessive and X-Linked Classification Criteria (2021). Collection method: clinical testing. Allele origin: unknown.
Comment: NM_001271208.1(NEB):c.2627delA(N876Tfs*81) is expected to be pathogenic in the context of NEB-related nemaline myopathy. This variant is predicted to lead to an abnormal or absent protein product due to the creation of a premature termination codon in NEB, a gene where loss-of-function variants are known to be pathogenic. Please note: this variant was assessed in the context of healthy population screening.